The following is an entry in ClinVar:

NM_001018113.3(FANCB):c.1159_1162dup (p.Tyr388fs)

Gene: FANCB (FA complementation group B; minus strand). Cytogenetic location: Xp22.2.
Variant type: Duplication.
Coding change: c.1159_1162dup on transcript NM_001018113.3 (MANE Select); coding-DNA positions 1159 to 1162, 4 bases duplicated (CGTT; older notation c.1159_1162dupCGTT).
Protein change: p.Tyr388fs; shifts the reading frame from tyrosine 388.
Molecular consequence: frameshift variant.
Genome position (GRCh38, 1-based): chrX:14,857,897-14,857,900, AACG duplicated on the plus strand (CGTT on the coding strand, the reverse complement: FANCB is on the minus strand); duplicating any 4 consecutive bases within chrX:14,857,897-14,857,901 gives the same sequence; the c. name uses the placement nearest the transcript's 3' end. VCF-style (leftmost placement, unchanged base first): chrX-14857896-T-TAACG. GRCh37 (hg19) VCF-style: chrX-14876018-T-TAACG.
Other names: c.1159_1162dup, p.Tyr388fs (NM_001324162.2, NM_001410764.1, NM_152633.4); short protein forms Y388fs.
Identifiers: ClinVar variation 2833974 (VCV002833974.3), dbSNP rs2518988414, ClinGen allele CA2739268089.

ClinVar aggregate classification (germline): Pathogenic (1 of 4 stars; one submission).

Conditions:
Fanconi anemia (FA). Also called: Fanconi's anemia. Identifiers: Orphanet 84, MedGen C0015625, MeSH D005199, MONDO:0019391.

Submission:

Labcorp Genetics (formerly Invitae), Labcorp
Classification: Pathogenic for Fanconi anemia. Last evaluated: 2023-02-09. Review status: criteria provided, single submitter. Criteria: Invitae Variant Classification Sherloc (09022015). Collection method: clinical testing. Allele origin: germline.
Comment: For these reasons, this variant has been classified as Pathogenic. This variant has not been reported in the literature in individuals affected with FANCB-related conditions. This variant is not present in population databases (gnomAD no frequency). This sequence change creates a premature translational stop signal (p.Tyr388Serfs*29) in the FANCB gene. It is expected to result in an absent or disrupted protein product. Loss-of-function variants in FANCB are known to be pathogenic (PMID: 15502827, 23613520).

Literature cited by the submitters: PubMed 15502827; PubMed 23613520.